The following is an entry in ClinVar:

ClinVar aggregate classification (germline): Likely benign. Review status: criteria provided, multiple submitters, no conflicts (2 of 4 stars). 3 submissions from 3 submitters: Likely benign (2). 1 of the submissions does not count toward it. Last evaluated 2025-07-30.

Conditions:
CFAP410-related disorder. Also called: CFAP410-related condition.

Allele frequency attached by ClinVar (database versions not stated): gnomAD 0.00001 and 0.00004; ESP Exome Variant Server 0.00008; gnomAD exomes 0.00013; ExAC 0.00032.
gnomAD v4.1: 117 of 1,584,604 alleles (0.0074%); highest among the groups gnomAD compares: South Asian, 0.054%; 1 homozygote.

Submissions (3):

Labcorp Genetics (formerly Invitae), Labcorp
Classification: Likely benign. Last evaluated: 2025-07-30. Review status: criteria provided, single submitter. Criteria: Invitae Variant Classification Sherloc (09022015). Collection method: clinical testing. Allele origin: germline.

Blueprint Genetics
Classification: Likely benign. Last evaluated: 2024-11-04. Review status: criteria provided, single submitter. Criteria: ACMG Guidelines, 2015. Collection method: clinical testing. Allele origin: germline.

PreventionGenetics, part of Exact Sciences
Classification: Likely benign for CFAP410-related condition. Last evaluated: 2024-02-22. Review status: no assertion criteria provided. Collection method: clinical testing. Allele origin: germline. Not counted in ClinVar's aggregate classification.
Comment: This variant is classified as likely benign based on ACMG/AMP sequence variant interpretation guidelines (Richards et al. 2015 PMID: 25741868, with internal and published modifications).

NM_004928.3(CFAP410):c.143+8G>A

Gene: CFAP410 (cilia and flagella associated protein 410; minus strand). Cytogenetic location: 21q22.3.
Variant type: single nucleotide variant.
Coding change: c.143+8G>A on transcript NM_004928.3 (MANE Select); 8 bases into the intron after coding-DNA position 143, G replaced by A.
Molecular consequence: intron variant.
Genome position (GRCh38, 1-based): chr21:44,335,750, C>T on the plus strand (G>A on the coding strand, the complement: CFAP410 is on the minus strand). VCF-style: chr21-44335750-C-T. GRCh37 (hg19) VCF-style: chr21-45755633-C-T.
Other names: c.143+8G>A (NM_001271440.2, NM_001271441.2, NM_004928.2); c.29+8G>A (NM_001271442.1).
Identifiers: ClinVar variation 1149747 (VCV001149747.12), dbSNP rs372854948, ClinGen allele CA10053824.